The following is an entry in ClinVar:

NM_004360.5(CDH1):c.634G>T (p.Gly212Ter)

Gene: CDH1 (cadherin 1; plus strand). Cytogenetic location: 16q22.1.
Variant type: single nucleotide variant.
Coding change: c.634G>T on transcript NM_004360.5 (MANE Select); coding-DNA position 634, G replaced by T.
Protein change: p.Gly212Ter; replaces glycine 212 with a stop codon.
Molecular consequence: nonsense. On other transcripts: 5 prime UTR variant (2).
Genome position (GRCh38, 1-based): chr16:68,808,795, G>T. VCF-style: chr16-68808795-G-T. GRCh37 (hg19) VCF-style: chr16-68842698-G-T.
Other names: c.-1186G>T (NM_001317186.2); c.634G>T, p.Gly212Ter (NM_001317184.2); c.-982G>T (NM_001317185.2); short protein forms G212*.
Identifiers: ClinVar variation 2095845 (VCV002095845.6), dbSNP rs1064796210, ClinGen allele CA396458054.

ClinVar aggregate classification (germline): Pathogenic. Review status: criteria provided, multiple submitters, no conflicts (2 of 4 stars). 2 submissions from 2 submitters: Pathogenic (2). Last evaluated 2023-06-09.

Conditions:
Hereditary diffuse gastric adenocarcinoma (HDGC). Also called: DIFFUSE GASTRIC AND LOBULAR BREAST CANCER SYNDROME. Identifiers: Orphanet 26106, MedGen C1708349, MONDO:0007648, OMIM 137215.

Submissions (2):

Myriad Genetics, Inc.
Classification: Pathogenic for Hereditary diffuse gastric adenocarcinoma. Last evaluated: 2023-06-09. Review status: criteria provided, single submitter. Criteria: Myriad Autosomal Dominant, Autosomal Recessive and X-Linked Classification Criteria (2023). Collection method: clinical testing. Allele origin: unknown.
Comment: This variant is considered pathogenic. This variant creates a termination codon and is predicted to result in premature protein truncation.

Labcorp Genetics (formerly Invitae), Labcorp
Classification: Pathogenic for Hereditary diffuse gastric adenocarcinoma. Last evaluated: 2022-02-23. Review status: criteria provided, single submitter. Criteria: Invitae Variant Classification Sherloc (09022015). Collection method: clinical testing. Allele origin: germline.
Comment: This sequence change creates a premature translational stop signal (p.Gly212*) in the CDH1 gene. It is expected to result in an absent or disrupted protein product. Loss-of-function variants in CDH1 are known to be pathogenic (PMID: 15235021, 20373070). This variant is not present in population databases (gnomAD no frequency). This variant has not been reported in the literature in individuals affected with CDH1-related conditions. For these reasons, this variant has been classified as Pathogenic.

Literature cited by the submitters: PubMed 15235021 (cited by Labcorp Genetics (formerly Invitae), Labcorp); PubMed 20373070 (cited by Labcorp Genetics (formerly Invitae), Labcorp).